The following is an entry in ClinVar:

ClinVar aggregate classification (germline): Uncertain significance. Review status: criteria provided, single submitter (1 of 4 stars). 2 submissions from 2 submitters: Uncertain significance (1). 1 of the submissions does not count toward it. Last evaluated 2025-11-25.

Conditions:
Multiple myeloma (MM). Also called: Plasma cell myeloma; Multiple myeloma, somatic. Identifiers: Orphanet 29073, Orphanet 85443, MedGen C0026764, MeSH D009101, MONDO:0009693, OMIM 254500, HP:0006775.
Inborn genetic diseases. Identifiers: MedGen C0950123, MeSH D030342.

Allele frequency attached by ClinVar (database versions not stated): gnomAD 0.00001.
gnomAD v4.1: 1 of 1,614,022 alleles (0.000062%); highest among the groups gnomAD compares: Non-Finnish European, 0.000085%; no homozygotes.

Submissions (2):

Ambry Genetics
Classification: Uncertain significance for Inborn genetic diseases. Last evaluated: 2025-11-25. Review status: criteria provided, single submitter. Criteria: Ambry Variant Classification Scheme 2023. Collection method: clinical testing. Allele origin: germline.
Comment: The p.P363S variant (also known as c.1087C>T), located in coding exon 5 of the SH2B3 gene, results from a C to T substitution at nucleotide position 1087. The proline at codon 363 is replaced by serine, an amino acid with similar properties. This amino acid position is conserved. In addition, the in silico prediction for this alteration is inconclusive. Based on the available evidence, the clinical significance of this variant remains unclear.

Xiao lab, Department of Pathology, Memorial Sloan Kettering Cancer Center
Classification: Likely pathogenic for Multiple myeloma. Last evaluated: 2019-08-31. Review status: no assertion criteria provided. Collection method: clinical testing. Allele origin: somatic. Affected: yes. Not counted in ClinVar's aggregate classification.

NM_005475.3(SH2B3):c.1087C>T (p.Pro363Ser)

Gene: SH2B3 (SH2B adaptor protein 3; plus strand). Cytogenetic location: 12q24.12.
Variant type: single nucleotide variant.
Coding change: c.1087C>T on transcript NM_005475.3 (MANE Select); coding-DNA position 1087, C replaced by T.
Protein change: p.Pro363Ser; replaces proline 363 with serine.
Molecular consequence: missense variant.
Genome position (GRCh38, 1-based): chr12:111,447,395, C>T. VCF-style: chr12-111447395-C-T. GRCh37 (hg19) VCF-style: chr12-111885199-C-T.
Other names: c.481C>T, p.Pro161Ser (NM_001291424.1); c.1087C>T (NM_005475.2); short protein forms P161S, P363S.
Identifiers: ClinVar variation 800348 (VCV000800348.2), dbSNP rs1029296641, ClinGen allele CA243598589.